The following is an entry in ClinVar:

ClinVar aggregate classification (germline): Uncertain significance (0 of 4 stars; one submission).

Conditions:
NRXN3-related disorder. Also called: NRXN3-related condition.

Submission:

PreventionGenetics, part of Exact Sciences
Classification: Uncertain significance for NRXN3-related condition. Last evaluated: 2024-04-05. Review status: no assertion criteria provided. Collection method: clinical testing. Allele origin: germline.
Comment: The NRXN3 c.4321G>A variant is predicted to result in the amino acid substitution p.Val1441Ile. To our knowledge, this variant has not been reported in the literature or in a large population database, indicating this variant is rare. At this time, the clinical significance of this variant is uncertain due to the absence of conclusive functional and genetic evidence.

NM_001330195.2(NRXN3):c.4321G>A (p.Val1441Ile)

Gene: NRXN3 (neurexin 3; plus strand). Cytogenetic location: 14q31.1.
Variant type: single nucleotide variant.
Coding change: c.4321G>A on transcript NM_001330195.2 (MANE Select); coding-DNA position 4321, G replaced by A.
Protein change: p.Val1441Ile; replaces valine 1441 with isoleucine.
Molecular consequence: missense variant. On other transcripts: non-coding transcript variant (5), intron variant (4).
Genome position (GRCh38, 1-based): chr14:79,861,569, G>A. VCF-style: chr14-79861569-G-A. GRCh37 (hg19) VCF-style: chr14-80327912-G-A.
Other names: c.1519G>A, p.Val507Ile (NM_001272020.2); c.4231G>A, p.Val1411Ile (NM_001366425.1); c.4106-94G>A (NM_001366426.1); c.2885-94G>A (NM_004796.6); c.1079-94G>A (NM_001105250.3); c.998-94G>A (NM_138970.5); short protein forms V1411I, V1441I, V507I.
Identifiers: ClinVar variation 3356666 (VCV003356666.2).